The following is an entry in ClinVar:

NM_017617.5(NOTCH1):c.2446A>G (p.Asn816Asp)

Gene: NOTCH1 (notch receptor 1; minus strand). Cytogenetic location: 9q34.3.
Variant type: single nucleotide variant.
Coding change: c.2446A>G on transcript NM_017617.5 (MANE Select); coding-DNA position 2446, A replaced by G.
Protein change: p.Asn816Asp; replaces asparagine 816 with aspartic acid.
Molecular consequence: missense variant.
Genome position (GRCh38, 1-based): chr9:136,513,042, T>C on the plus strand (A>G on the coding strand, the complement: NOTCH1 is on the minus strand). VCF-style: chr9-136513042-T-C. GRCh37 (hg19) VCF-style: chr9-139407494-T-C.
Other names: c.2446A>G, p.Asn816Asp (LRG_1122t1); short protein forms N816D.
Identifiers: ClinVar variation 636578 (VCV000636578.12), dbSNP rs1589064290, ClinGen allele CA375556410.

ClinVar aggregate classification (germline): Uncertain significance. Review status: criteria provided, multiple submitters, no conflicts (2 of 4 stars). 5 submissions from 4 submitters: Uncertain significance (5). Last evaluated 2024-12-20.

Conditions:
Familial thoracic aortic aneurysm and aortic dissection (TAAD). Also called: Thoracic aortic aneurysms and dissections. Identifiers: Orphanet 91387, MedGen C4707243, MONDO:0019625.
Adams-Oliver syndrome 5 (AOS5). Identifiers: Orphanet 974, MedGen C4014970, MONDO:0014459, OMIM 616028.
Aortic valve disease 1 (AOVD1). Identifiers: MedGen C3887892, MONDO:0024523, OMIM 109730.

Allele frequency attached by ClinVar (database versions not stated): TOPMed below 0.00001; gnomAD exomes 0.00001.

Submissions (5):

Ambry Genetics
Classification: Uncertain significance for Familial thoracic aortic aneurysm and aortic dissection. Last evaluated: 2024-12-20. Review status: criteria provided, single submitter. Criteria: Ambry Variant Classification Scheme 2023. Collection method: clinical testing. Allele origin: germline.
Comment: The p.N816D variant (also known as c.2446A>G), located in coding exon 15 of the NOTCH1 gene, results from an A to G substitution at nucleotide position 2446. The asparagine at codon 816 is replaced by aspartic acid, an amino acid with highly similar properties. This amino acid position is conserved. In addition, this alteration is predicted to be tolerated by in silico analysis. Based on the available evidence, the clinical significance of this variant remains unclear.

Blueprint Genetics
Classification: Uncertain significance. Last evaluated: 2023-11-15. Review status: criteria provided, single submitter. Criteria: ACMG Guidelines, 2015. Collection method: clinical testing. Allele origin: germline.

Labcorp Genetics (formerly Invitae), Labcorp
Classification: Uncertain significance for Adams-Oliver syndrome 5. Last evaluated: 2023-06-09. Review status: criteria provided, single submitter. Criteria: Invitae Variant Classification Sherloc (09022015). Collection method: clinical testing. Allele origin: germline.
Comment: This variant has not been reported in the literature in individuals affected with NOTCH1-related conditions. This variant is not present in population databases (gnomAD no frequency). This sequence change replaces asparagine, which is neutral and polar, with aspartic acid, which is acidic and polar, at codon 816 of the NOTCH1 protein (p.Asn816Asp). In summary, the available evidence is currently insufficient to determine the role of this variant in disease. Therefore, it has been classified as a Variant of Uncertain Significance. Advanced modeling of protein sequence and biophysical properties (such as structural, functional, and spatial information, amino acid conservation, physicochemical variation, residue mobility, and thermodynamic stability) performed at Invitae indicates that this missense variant is not expected to disrupt NOTCH1 protein function. ClinVar contains an entry for this variant (Variation ID: 636578).

Genome-Nilou Lab
Classification: Uncertain significance for Adams-Oliver syndrome 5. Last evaluated: 2022-03-15. Review status: criteria provided, single submitter. Criteria: ACMG Guidelines, 2015. Collection method: clinical testing. Allele origin: germline. Affected: no.

Genome-Nilou Lab
Classification: Uncertain significance for Aortic valve disease 1. Last evaluated: 2022-03-15. Review status: criteria provided, single submitter. Criteria: ACMG Guidelines, 2015. Collection method: clinical testing. Allele origin: germline. Affected: no.